The following is an entry in ClinVar:

ClinVar aggregate classification (germline): Pathogenic/Likely pathogenic. Review status: criteria provided, multiple submitters, no conflicts (2 of 4 stars). 2 submissions from 2 submitters: Pathogenic (1); Likely pathogenic (1). Last evaluated 2025-02-24.

Conditions:
Combined malonic and methylmalonic acidemia. Identifiers: Orphanet 289504, MedGen C3280314, MONDO:0013661, OMIM 614265.

Submissions (2):

Natera, Inc.
Classification: Likely pathogenic for Combined malonic and methylmalonic aciduria. Last evaluated: 2025-02-24. Review status: criteria provided, single submitter. Criteria: Natera Variant Classification Schema (03/2026). Collection method: clinical testing. Allele origin: germline.
Comment: The c.134del variant in ACSF3 is a frameshift variant predicted to shift the reading frame beginning at codon 45 and leads to a stop codon 73 codons downstream. This variant is expected to result in nonsense mediated decay, truncation, or a dysfunctional protein product. This variant is rare in the general population with a frequency below the threshold expected for the associated phenotype(s). Given the available evidence, this variant is classified as Likely Pathogenic.

Labcorp Genetics (formerly Invitae), Labcorp
Classification: Pathogenic for Combined malonic and methylmalonic acidemia. Last evaluated: 2023-07-24. Review status: criteria provided, single submitter. Criteria: Invitae Variant Classification Sherloc (09022015). Collection method: clinical testing. Allele origin: germline.
Comment: This variant is not present in population databases (gnomAD no frequency). This sequence change creates a premature translational stop signal (p.Pro45Argfs*73) in the ACSF3 gene. It is expected to result in an absent or disrupted protein product. Loss-of-function variants in ACSF3 are known to be pathogenic (PMID: 21841779, 26827111). This variant has not been reported in the literature in individuals affected with ACSF3-related conditions. ClinVar contains an entry for this variant (Variation ID: 1451748). For these reasons, this variant has been classified as Pathogenic.

Literature cited by the submitters: PubMed 21841779 (cited by Labcorp Genetics (formerly Invitae), Labcorp); PubMed 26827111 (cited by Labcorp Genetics (formerly Invitae), Labcorp).

NM_001243279.3(ACSF3):c.134del (p.Pro45fs)

Gene: ACSF3 (acyl-CoA synthetase family member 3; plus strand). Cytogenetic location: 16q24.3.
Variant type: Deletion.
Coding change: c.134del on transcript NM_001243279.3 (MANE Select); coding-DNA position 134, one base deleted (C; older notation c.134delC).
Protein change: p.Pro45fs; shifts the reading frame from proline 45.
Molecular consequence: frameshift variant. On other transcripts: non-coding transcript variant (3), intron variant (1).
Genome position (GRCh38, 1-based): chr16:89,100,815, C deleted; the last of 4 consecutive C bases (chr16:89,100,812-89,100,815); deleting any one gives the same sequence. VCF-style (leftmost placement, unchanged base first): chr16-89100811-GC-G. GRCh37 (hg19) VCF-style: chr16-89167219-GC-G.
Other names: c.134del (NM_174917.4); c.134del, p.Pro45fs (NM_001127214.4, NM_174917.5); c.-129-1789del (NM_001284316.2); short protein forms P45fs.
Identifiers: ClinVar variation 1451748 (VCV001451748.8), dbSNP rs2151405469, ClinGen allele CA2573152853.